The following is an entry in ClinVar:

NM_005869.4(CWC27):c.466C>T (p.His156Tyr)

Gene: CWC27 (CWC27 spliceosome associated cyclophilin; plus strand). Cytogenetic location: 5q12.3.
Variant type: single nucleotide variant.
Coding change: c.466C>T on transcript NM_005869.4 (MANE Select); coding-DNA position 466, C replaced by T.
Protein change: p.His156Tyr; replaces histidine 156 with tyrosine.
Molecular consequence: missense variant.
Genome position (GRCh38, 1-based): chr5:64,785,550, C>T. VCF-style: chr5-64785550-C-T. GRCh37 (hg19) VCF-style: chr5-64081377-C-T.
Other names: c.466C>T, p.His156Tyr (NM_001297644.1, NM_001297645.2, NM_001318000.2 and 1 more transcripts); short protein forms H156Y.
Identifiers: ClinVar variation 2029917 (VCV002029917.3), dbSNP rs1239709056, ClinGen allele CA359845461.
Genomic context (GRCh38, chr5:64,785,550, plus strand): 5'-GATACAGTATATAACATGTTGCGACTGTCAGAAGTAGACATTGATGATGACGAAAGACCA[C>T]ATAATCCACACAAAATAAAAAGCTGTGAGGTAGGAGCATGATTATTACGAGATACAGCAC-3'
Protein context (NP_005860.2, residues 146-166): EVDIDDDERP[His156Tyr]NPHKIKSCEV

ClinVar aggregate classification (germline): Uncertain significance (1 of 4 stars; one submission).

Allele frequency attached by ClinVar (database versions not stated): gnomAD exomes below 0.00001; TOPMed below 0.00001; gnomAD 0.00001.

Submission:

Labcorp Genetics (formerly Invitae), Labcorp
Classification: Uncertain significance. Last evaluated: 2021-12-03. Review status: criteria provided, single submitter. Criteria: Invitae Variant Classification Sherloc (09022015). Collection method: clinical testing. Allele origin: germline.
Comment: This variant has not been reported in the literature in individuals affected with CWC27-related conditions. Algorithms developed to predict the effect of missense changes on protein structure and function (SIFT, PolyPhen-2, Align-GVGD) all suggest that this variant is likely to be tolerated. In summary, the available evidence is currently insufficient to determine the role of this variant in disease. Therefore, it has been classified as a Variant of Uncertain Significance. This sequence change replaces histidine, which is basic and polar, with tyrosine, which is neutral and polar, at codon 156 of the CWC27 protein (p.His156Tyr). This variant is not present in population databases (gnomAD no frequency).